The following is an entry in ClinVar:

NM_015178.3(RHOBTB2):c.1144A>C (p.Arg382=)

Gene: RHOBTB2 (Rho related BTB domain containing 2; plus strand). Cytogenetic location: 8p21.3.
Variant type: single nucleotide variant.
Coding change: c.1144A>C on transcript NM_015178.3 (MANE Select); coding-DNA position 1144, A replaced by C.
Protein change: p.Arg382=; no amino-acid change (arginine 382 retained).
Molecular consequence: synonymous variant.
Genome position (GRCh38, 1-based): chr8:23,007,389, A>C. VCF-style: chr8-23007389-A-C. GRCh37 (hg19) VCF-style: chr8-22864902-A-C.
Other names: c.1210A>C, p.Arg404= (NM_001160036.2); c.1165A>C, p.Arg389= (NM_001160037.2); c.1144A>C, p.Arg382= (NM_001374791.1).
Identifiers: ClinVar variation 4873819 (VCV004873819.2).
Genomic context (GRCh38, chr8:23,007,389, plus strand): 5'-CTCCGTGCTTCCACCAGCGACGGGATCTTACGGGGCAACGGAACAGGGTACCTACCGGGC[A>C]GGGGTCGTGTGCTGTCTTCCTGGAGCCGAGCTTTTGTGAGCATCCAGGAAGAGATGGCAG-3'
Protein context (NP_055993.2, residues 372-392): RGNGTGYLPG[Arg382=]GRVLSSWSRA

ClinVar aggregate classification (germline): Likely benign (1 of 4 stars; one submission).

Submission:

CeGaT Center for Human Genetics Tuebingen
Classification: Likely benign. Last evaluated: 2026-05-01. Review status: criteria provided, single submitter. Criteria: CeGaT Center For Human Genetics Tuebingen Variant Classification Criteria Version 2. Collection method: clinical testing. Allele origin: germline. Affected: yes. Observed: 1 variant allele.
Comment: RHOBTB2: PM2:Supporting, BP4, BP7